The following is an entry in ClinVar:

NC_000015.9:g.(?_28090085)_(28117088_?)del

Gene: OCA2 (OCA2 melanosomal transmembrane protein; minus strand). Cytogenetic location: 15q12-13.1.
Variant type: Deletion.
Identifiers: ClinVar variation 3243848 (VCV003243848.1).

ClinVar aggregate classification (germline): Pathogenic (1 of 4 stars; one submission).

Submission:

Labcorp Genetics (formerly Invitae), Labcorp
Classification: Pathogenic. Last evaluated: 2023-11-24. Review status: criteria provided, single submitter. Criteria: Invitae Variant Classification Sherloc (09022015). Collection method: clinical testing. Allele origin: unknown.
Comment: This variant is a gross deletion of the genomic region encompassing exon(s) 20-23 of the OCA2 gene. While this deletion is not anticipated to lead to nonsense mediated decay, it is expected to disrupt the C-terminus of the protein. This variant has not been reported in the literature in individuals affected with OCA2-related conditions. This variant disrupts a region of the OCA2 protein in which other variant(s) (p.Ala831Pro) have been determined to be pathogenic (PMID: 21458243, 34838614). This suggests that this is a clinically significant region of the protein, and that variants that disrupt it are likely to be disease-causing. For these reasons, this variant has been classified as Pathogenic.

Literature cited by the submitters: PubMed 21458243; PubMed 34838614.